The following is an entry in ClinVar:

NM_000232.5(SGCB):c.-15_8dup (p.Ala5fs)

Genes: SGCB (sarcoglycan beta; minus strand), LOC129992585 (ATAC-STARR-seq lymphoblastoid silent region 15421; plus strand). Cytogenetic location: 4q12.
Variant type: Duplication.
Coding change: c.-15_8dup on transcript NM_000232.5 (MANE Select); 15 bases upstream of the start codon through coding-DNA position 8, 23 bases duplicated (GGCGGGCGCGGGAAGATGGCGGC).
Protein change: p.Ala5fs; shifts the reading frame from alanine 5.
Molecular consequence: frameshift variant, initiator codon variant.
Genome position (GRCh38, 1-based): chr4:52,038,252-52,038,274, GCCGCCATCTTCCCGCGCCCGCC duplicated on the plus strand (GGCGGGCGCGGGAAGATGGCGGC on the coding strand, the reverse complement: SGCB is on the minus strand); duplicating any 23 consecutive bases within chr4:52,038,252-52,038,280 gives the same sequence; the c. name uses the placement nearest the transcript's 3' end. VCF-style (leftmost placement, unchanged base first): chr4-52038251-T-TGCCGCCATCTTCCCGCGCCCGCC. GRCh37 (hg19) VCF-style: chr4-52904417-T-TGCCGCCATCTTCCCGCGCCCGCC.
Other names: short protein forms A5fs.
Identifiers: ClinVar variation 2678687 (VCV002678687.4), dbSNP rs1057517205, ClinGen allele CA2695199379.

ClinVar aggregate classification (germline): Pathogenic/Likely pathogenic. Review status: criteria provided, multiple submitters, no conflicts (2 of 4 stars). 2 submissions from 2 submitters: Pathogenic (1); Likely pathogenic (1). Last evaluated 2023-12-08.

Conditions:
Autosomal recessive limb-girdle muscular dystrophy type 2E (LGMDR4). Also called: MUSCULAR DYSTROPHY, LIMB-GIRDLE, AUTOSOMAL RECESSIVE 4. Identifiers: Orphanet 119, MedGen C1858593, MONDO:0011423, OMIM 604286. Disease mechanism: Affects gamma-sarcoglycan and also disrupts the integrity of the entire sarcoglycan complex..

Submissions (2):

Labcorp Genetics (formerly Invitae), Labcorp
Classification: Pathogenic for Autosomal recessive limb-girdle muscular dystrophy type 2E. Last evaluated: 2023-12-08. Review status: criteria provided, single submitter. Criteria: Invitae Variant Classification Sherloc (09022015). Collection method: clinical testing. Allele origin: germline.
Comment: This sequence change creates a premature translational stop signal (p.Ala5Glyfs*22) in the SGCB gene. It is expected to result in an absent or disrupted protein product. Loss-of-function variants in SGCB are known to be pathogenic (PMID: 15938573, 18285821). This variant is not present in population databases (gnomAD no frequency). This variant has not been reported in the literature in individuals affected with SGCB-related conditions. Experimental studies and prediction algorithms are not available or were not evaluated, and the functional significance of this variant is currently unknown. For these reasons, this variant has been classified as Pathogenic.

Baylor Genetics
Classification: Likely pathogenic for Autosomal recessive limb-girdle muscular dystrophy type 2E. Last evaluated: 2023-05-18. Review status: criteria provided, single submitter. Criteria: ACMG Guidelines, 2015. Collection method: clinical testing. Allele origin: unknown.

Literature cited by the submitters: PubMed 15938573 (cited by Labcorp Genetics (formerly Invitae), Labcorp); PubMed 18285821 (cited by Labcorp Genetics (formerly Invitae), Labcorp).